The following is an entry in ClinVar:

NM_001252024.2(TRPM1):c.1672G>A (p.Val558Met)

Gene: TRPM1 (transient receptor potential cation channel subfamily M member 1; minus strand). Cytogenetic location: 15q13.3.
Variant type: single nucleotide variant.
Coding change: c.1672G>A on transcript NM_001252024.2 (MANE Select); coding-DNA position 1672, G replaced by A.
Protein change: p.Val558Met; replaces valine 558 with methionine.
Molecular consequence: missense variant.
Genome position (GRCh38, 1-based): chr15:31,047,203, C>T on the plus strand (G>A on the coding strand, the complement: TRPM1 is on the minus strand). VCF-style: chr15-31047203-C-T. GRCh37 (hg19) VCF-style: chr15-31339406-C-T.
Other names: c.1723G>A, p.Val575Met (NM_001252020.2); c.1606G>A, p.Val536Met (NM_002420.6); short protein forms V536M, V575M, V558M.
Identifiers: ClinVar variation 1416218 (VCV001416218.3), dbSNP rs779702766, ClinGen allele CA7452469.

ClinVar aggregate classification (germline): Uncertain significance (1 of 4 stars; one submission).

Allele frequency attached by ClinVar (database versions not stated): ExAC 0.00001; gnomAD exomes 0.00001.
gnomAD v4.1: 24 of 1,614,064 alleles (0.0015%); highest among the groups gnomAD compares: African/African-American, 0.013%; no homozygotes.

Submission:

Labcorp Genetics (formerly Invitae), Labcorp
Classification: Uncertain significance. Last evaluated: 2022-07-12. Review status: criteria provided, single submitter. Criteria: Invitae Variant Classification Sherloc (09022015). Collection method: clinical testing. Allele origin: germline.
Comment: This sequence change replaces valine, which is neutral and non-polar, with methionine, which is neutral and non-polar, at codon 536 of the TRPM1 protein (p.Val536Met). This variant is present in population databases (rs779702766, gnomAD 0.02%). This variant has not been reported in the literature in individuals affected with TRPM1-related conditions. ClinVar contains an entry for this variant (Variation ID: 1416218). Algorithms developed to predict the effect of missense changes on protein structure and function are either unavailable or do not agree on the potential impact of this missense change (SIFT: "Deleterious"; PolyPhen-2: "Possibly Damaging"; Align-GVGD: "Class C0"). In summary, the available evidence is currently insufficient to determine the role of this variant in disease. Therefore, it has been classified as a Variant of Uncertain Significance.